The following is an entry in ClinVar:

ClinVar aggregate classification (germline): Pathogenic (1 of 4 stars; one submission).

Conditions:
Autosomal recessive nonsyndromic hearing loss 36. Also called: DEAFNESS, AUTOSOMAL RECESSIVE 36, WITH VESTIBULAR INVOLVEMENT; Deafness, autosomal recessive 36. Identifiers: Orphanet 90636, MedGen C1837007, MONDO:0012170, OMIM 609006.

gnomAD v4.1: 5 of 1,613,494 alleles (0.00031%); highest among the groups gnomAD compares: Non-Finnish European, 0.00042%; no homozygotes.

Submission:

King Laboratory, University of Washington
Classification: Pathogenic for Autosomal recessive nonsyndromic hearing loss 36. Last evaluated: 2023-02-28. Review status: criteria provided, single submitter. Criteria: Li et al. (Genet Med. 2022). Collection method: research. Allele origin: unknown. Affected: yes.
Comment: This variant occurred in compound heterozygosity with an ESPN missense variant in a patient with bilateral sensorineural hearing loss of onset <18 years, in a study of pediatric hearing loss conducted by the King Laboratory (Carlson RJ et al. JAMA-OtoHNS 2023). This variant is a nonsense variant that creates an early stop at position 832 of the otherwise 852 amino acid ESPN protein. As of January 2023, this variant has been reported previously in an individual with hearing loss (DFNB36) and is currently classified as pathogenic/likely pathogenic on ClinVar, and it is not found in any individual on gnomAD. Based on the prediction that this variant leads to a truncated protein, previous classification as pathogenic/likely pathogenic, and goodness of fit of genotype to phenotype, we conclude that this variant is pathogenic.

Literature cited by the submitters: PubMed 36633841.

NM_031475.3(ESPN):c.2496C>G (p.Tyr832Ter)

Gene: ESPN (espin; plus strand). Cytogenetic location: 1p36.31.
Variant type: single nucleotide variant.
Coding change: c.2496C>G on transcript NM_031475.3 (MANE Select); coding-DNA position 2496, C replaced by G.
Protein change: p.Tyr832Ter; replaces tyrosine 832 with a stop codon.
Molecular consequence: nonsense.
Genome position (GRCh38, 1-based): chr1:6,460,077, C>G. VCF-style: chr1-6460077-C-G. GRCh37 (hg19) VCF-style: chr1-6520137-C-G.
Other names: c.2406C>G, p.Tyr802Ter (NM_001367473.1); c.2433C>G, p.Tyr811Ter (NM_001367474.1); short protein forms Y832*, Y811*, Y802*.
Identifiers: ClinVar variation 2445633 (VCV002445633.1), dbSNP rs1046987961, ClinGen allele CA338104069.